The following is an entry in ClinVar:

NM_024809.5(TCTN2):c.1393+7C>T

Gene: TCTN2 (tectonic family member 2; plus strand). Cytogenetic location: 12q24.31.
Variant type: single nucleotide variant.
Coding change: c.1393+7C>T on transcript NM_024809.5 (MANE Select); 7 bases into the intron after coding-DNA position 1393, C replaced by T.
Molecular consequence: intron variant.
Genome position (GRCh38, 1-based): chr12:123,696,502, C>T. VCF-style: chr12-123696502-C-T. GRCh37 (hg19) VCF-style: chr12-124181049-C-T.
Other names: p.?; c.1390+7C>T (NM_001143850.3).
Identifiers: ClinVar variation 126285 (VCV000126285.29), dbSNP rs7298440, ClinGen allele CA150959.

ClinVar aggregate classification (germline): Benign. Review status: criteria provided, multiple submitters, no conflicts (2 of 4 stars). 12 submissions from 11 submitters: Benign (10). 2 of the submissions do not count toward it. Last evaluated 2026-02-04.

Conditions:
Joubert syndrome 24 (JBTS24). Identifiers: Orphanet 475, MedGen C4084841, MONDO:0014724, OMIM 616654.
Joubert syndrome. Also called: Familial aplasia of the vermis; JOUBERT-BOLTSHAUSER SYNDROME. Identifiers: Orphanet 475, MedGen C5979921, MONDO:0018772.
Meckel-Gruber syndrome. Also called: Dysencephalia splachnocystica; GRUBER SYNDROME; DYSENCEPHALIA SPLANCHNOCYSTICA. Identifiers: Orphanet 564, MedGen C0265215, MONDO:0018921.
Meckel syndrome, type 8. Identifiers: Orphanet 564, MedGen C3836857, MONDO:0013482, OMIM 613885.

Allele frequency attached by ClinVar (database versions not stated): 1000 Genomes Project 0.27236; 1000 Genomes Project 30x 0.27701; gnomAD exomes 0.31791; ExAC 0.32552; TOPMed 0.35883; gnomAD 0.36136; ESP Exome Variant Server 0.38959.
gnomAD v4.1: 590,698 of 1,610,082 alleles (37%); highest among the groups gnomAD compares: African/African-American, 42%; 113,051 homozygotes.

Submissions (12):

Labcorp Genetics (formerly Invitae), Labcorp
Classification: Benign for Joubert syndrome; Meckel-Gruber syndrome. Last evaluated: 2026-02-04. Review status: criteria provided, single submitter. Criteria: Invitae Variant Classification Sherloc (09022015). Collection method: clinical testing. Allele origin: germline.

Blueprint Genetics
Classification: Benign. Last evaluated: 2024-11-27. Review status: criteria provided, single submitter. Criteria: ACMG Guidelines, 2015. Collection method: clinical testing. Allele origin: germline.

Mayo Clinic Laboratories, Mayo Clinic
Classification: Benign. Last evaluated: 2022-03-09. Review status: criteria provided, single submitter. Criteria: ACMG Guidelines, 2015. Collection method: clinical testing. Allele origin: germline. Observed: 41 variant alleles.

Illumina Laboratory Services, Illumina
Classification: Benign for Meckel syndrome, type 8. Last evaluated: 2018-01-13. Review status: criteria provided, single submitter. Criteria: ICSL Variant Classification Criteria 13 December 2019. Collection method: clinical testing. Allele origin: germline.
Comment: This variant was observed in the ICSL laboratory as part of a predisposition screen in an ostensibly healthy population. It had not been previously curated by ICSL or reported in the Human Gene Mutation Database (HGMD: prior to June 1st, 2018), and was therefore a candidate for classification through an automated scoring system. Utilizing variant allele frequency, disease prevalence and penetrance estimates, and inheritance mode, an automated score was calculated to assess if this variant is too frequent to cause the disease. Based on the score and internal cut-off values, a variant classified as benign is not then subjected to further curation. The score for this variant resulted in a classification of benign for this disease.

Illumina Laboratory Services, Illumina
Classification: Benign for Joubert syndrome 24. Last evaluated: 2018-01-13. Review status: criteria provided, single submitter. Criteria: ICSL Variant Classification Criteria 13 December 2019. Collection method: clinical testing. Allele origin: germline.
Comment: the same text as in the submission from Illumina Laboratory Services, Illumina above.

GeneDx
Classification: Benign. Last evaluated: 2016-01-11. Review status: criteria provided, single submitter. Criteria: GeneDx Variant Classification (06012015). Collection method: clinical testing. Allele origin: germline. Affected: yes.
Comment: This variant is considered likely benign or benign based on one or more of the following criteria: it is a conservative change, it occurs at a poorly conserved position in the protein, it is predicted to be benign by multiple in silico algorithms, and/or has population frequency not consistent with disease.

Clinical Genetics DNA and cytogenetics Diagnostics Lab, Erasmus MC, Erasmus Medical Center
Classification: Benign for Meckel syndrome, type 8. Last evaluated: 2015-09-21. Review status: criteria provided, single submitter. Criteria: ACGS Guidelines, 2013. Collection method: clinical testing. Allele origin: germline. Affected: yes. Study: VKGL Data-share Consensus.

Eurofins Ntd Llc (ga)
Classification: Benign. Last evaluated: 2014-04-26. Review status: criteria provided, single submitter. Criteria: EGL Classification Definitions 2015. Collection method: clinical testing. Allele origin: germline. Observed: 1 variant allele, 1 heterozygote.

Breakthrough Genomics
Classification: Benign. Review status: criteria provided, single submitter. Criteria: ACMG Guidelines, 2015. Collection method: not provided. Allele origin: germline. Inheritance: Autosomal recessive inheritance. Affected: yes.

PreventionGenetics, part of Exact Sciences
Classification: Benign. Review status: criteria provided, single submitter. Criteria: ACMG Guidelines, 2015. Collection method: clinical testing. Allele origin: germline.

Diagnostic Laboratory, Department of Genetics, University Medical Center Groningen
Classification: Benign for Meckel syndrome, type 8. Review status: no assertion criteria provided. Collection method: clinical testing. Allele origin: germline. Affected: yes. Study: VKGL Data-share Consensus. Not counted in ClinVar's aggregate classification.

Genetic Services Laboratory, University of Chicago
Classification: Likely benign for AllHighlyPenetrant. Review status: no assertion criteria provided. Collection method: clinical testing. Allele origin: germline. Inheritance: Autosomal recessive inheritance. Observed: 108 variant alleles. Not counted in ClinVar's aggregate classification.
Comment: Likely benign based on allele frequency in 1000 Genomes Project or ESP global frequency and its presence in a patient with a rare or unrelated disease phenotype. NOT Sanger confirmed.